The following is an entry in ClinVar:

ClinVar aggregate classification (germline): Uncertain significance (1 of 4 stars; one submission).

Conditions:
Developmental and epileptic encephalopathy, 36 (DEE36). Also called: ALG13-CDG; Epileptic encephalopathy, early infantile, 36; Congenital disorder of glycosylation, type Is. Identifiers: Orphanet 324422, MedGen C4317295, MONDO:0010472, OMIM 300884.

Allele frequency attached by ClinVar (database versions not stated): gnomAD exomes below 0.00001 and 0.00001; gnomAD 0.00001; TOPMed 0.00002.
gnomAD v4.1: 3 of 1,209,782 alleles (0.00025%); highest among the groups gnomAD compares: Non-Finnish European, 0.00034%; no homozygotes.

Submission:

Labcorp Genetics (formerly Invitae), Labcorp
Classification: Uncertain significance for Developmental and epileptic encephalopathy, 36. Last evaluated: 2023-04-03. Review status: criteria provided, single submitter. Criteria: Invitae Variant Classification Sherloc (09022015). Collection method: clinical testing. Allele origin: germline.
Comment: In summary, the available evidence is currently insufficient to determine the role of this variant in disease. Therefore, it has been classified as a Variant of Uncertain Significance. Algorithms developed to predict the effect of missense changes on protein structure and function output the following: SIFT: "Not Available"; PolyPhen-2: "Benign"; Align-GVGD: "Not Available". The proline amino acid residue is found in multiple mammalian species, which suggests that this missense change does not adversely affect protein function. ClinVar contains an entry for this variant (Variation ID: 1500686). This variant has not been reported in the literature in individuals affected with ALG13-related conditions. This variant is present in population databases (no rsID available, gnomAD 0.001%). This sequence change replaces leucine, which is neutral and non-polar, with proline, which is neutral and non-polar, at codon 201 of the ALG13 protein (p.Leu201Pro).

NM_001099922.3(ALG13):c.602T>C (p.Leu201Pro)

Gene: ALG13 (ALG13 UDP-N-acetylglucosaminyltransferase subunit; plus strand). Cytogenetic location: Xq23.
Variant type: single nucleotide variant.
Coding change: c.602T>C on transcript NM_001099922.3 (MANE Select); coding-DNA position 602, T replaced by C.
Protein change: p.Leu201Pro; replaces leucine 201 with proline.
Molecular consequence: missense variant. On other transcripts: non-coding transcript variant (1).
Genome position (GRCh38, 1-based): chrX:111,708,245, T>C. VCF-style: chrX-111708245-T-C. GRCh37 (hg19) VCF-style: chrX-110951473-T-C.
Other names: c.290T>C, p.Leu97Pro (NM_001257230.2, NM_001257234.2, NM_001257237.2 and 1 more transcripts); c.368T>C, p.Leu123Pro (NM_001257231.2); c.602T>C, p.Leu201Pro (NM_001324292.2); short protein forms L123P, L97P, L201P.
Identifiers: ClinVar variation 1500686 (VCV001500686.6), dbSNP rs1042682745, ClinGen allele CA334443162.